The following is an entry in ClinVar:

NM_181507.2(HPS5):c.760G>T (p.Val254Phe)

Gene: HPS5 (HPS5 biogenesis of lysosomal organelles complex 2 subunit 2; minus strand). Cytogenetic location: 11p15.1.
Variant type: single nucleotide variant.
Coding change: c.760G>T on transcript NM_181507.2 (MANE Select); coding-DNA position 760, G replaced by T.
Protein change: p.Val254Phe; replaces valine 254 with phenylalanine.
Molecular consequence: missense variant.
Genome position (GRCh38, 1-based): chr11:18,306,199, C>A on the plus strand (G>T on the coding strand, the complement: HPS5 is on the minus strand). VCF-style: chr11-18306199-C-A. GRCh37 (hg19) VCF-style: chr11-18327746-C-A.
Other names: c.418G>T, p.Val140Phe (NM_007216.4, NM_181508.2); short protein forms V140F, V254F.
Identifiers: ClinVar variation 2634529 (VCV002634529.7), dbSNP rs752603589, ClinGen allele CA5910353.
Genomic context (GRCh38, chr11:18,306,199, plus strand): 5'-GAGTAATCACAGGGAGAGGTGGCAACGAGAGGAGTTTCTTGAACTGATGTGTACTTATAA[C>A]TTCTCCATCAAAGTTCACTTCCCACATCCTAGAGCCTGGGCGAGCACAATATATCAGAGG-3'
Protein context (NP_852608.1, residues 244-264): RMWEVNFDGE[Val254Phe]ISTHQFKKLL

ClinVar aggregate classification (germline): Uncertain significance. Review status: criteria provided, multiple submitters, no conflicts (2 of 4 stars). 3 submissions from 3 submitters: Uncertain significance (3). Last evaluated 2026-03-16.

Conditions:
HPS5-related disorder. Also called: HPS5-related condition.

Allele frequency attached by ClinVar (database versions not stated): ExAC 0.00003.
gnomAD v4.1: 23 of 1,613,956 alleles (0.0014%); highest among the groups gnomAD compares: Middle Eastern, 0.082%; 1 homozygote.

Submissions (3):

PreventionGenetics, part of Exact Sciences
Classification: Uncertain significance for HPS5-related condition. Last evaluated: 2026-03-16. Review status: criteria provided, single submitter. Criteria: ACMG Guidelines, 2015. Collection method: clinical testing. Allele origin: germline.
Comment: The HPS5 c.760G>T variant is predicted to result in the amino acid substitution p.Val254Phe. This variant is reported in 0.020% of alleles in individuals of South Asian descent in gnomAD. Although we suspect that this variant could possibly be pathogenic, at this time its clinical significance is uncertain due to the absence of conclusive functional and genetic evidence.

Women's Health and Genetics/Laboratory Corporation of America, LabCorp
Classification: Uncertain significance. Last evaluated: 2025-10-15. Review status: criteria provided, single submitter. Criteria: LabCorp Variant Classification Summary - May 2015. Collection method: clinical testing. Allele origin: germline.
Comment: Variant summary: HPS5 c.760G>T (p.Val254Phe) results in a non-conservative amino acid change in the encoded protein sequence. Algorithms developed to predict the effect of missense changes on protein structure and function all suggest that this variant is likely to be disruptive. The variant allele was found at a frequency of 2.4e-05 in 251466 control chromosomes. The available data on variant occurrences in the general population are insufficient to allow any conclusion about variant significance. c.760G>T has been observed in an individual affected with Bleeding Diathesis (Boeckelmann_2022). These report(s) do not provide unequivocal conclusions about association of the variant with Hermansky-Pudlak Syndrome. To our knowledge, no experimental evidence demonstrating an impact on protein function has been reported. The following publication have been ascertained in the context of this evaluation (PMID: 35126127). ClinVar contains an entry for this variant (Variation ID: 2634529). Based on the evidence outlined above, the variant was classified as uncertain significance.

Labcorp Genetics (formerly Invitae), Labcorp
Classification: Uncertain significance. Last evaluated: 2024-10-21. Review status: criteria provided, single submitter. Criteria: Invitae Variant Classification Sherloc (09022015). Collection method: clinical testing. Allele origin: germline.
Comment: This sequence change replaces valine, which is neutral and non-polar, with phenylalanine, which is neutral and non-polar, at codon 254 of the HPS5 protein (p.Val254Phe). This variant is present in population databases (rs752603589, gnomAD 0.02%). This missense change has been observed in individual(s) with HPS5-related conditions (PMID: 35126127). ClinVar contains an entry for this variant (Variation ID: 2634529). An algorithm developed to predict the effect of missense changes on protein structure and function (PolyPhen-2) suggests that this variant is likely to be disruptive. In summary, the available evidence is currently insufficient to determine the role of this variant in disease. Therefore, it has been classified as a Variant of Uncertain Significance.

Literature cited by the submitters: PubMed 35126127 (cited by Women's Health and Genetics/Laboratory Corporation of America, LabCorp and Labcorp Genetics (formerly Invitae), Labcorp).